The following is an entry in ClinVar:

NM_001282531.3(ADNP):c.2322T>G (p.Tyr774Ter)

Gene: ADNP (activity dependent neuroprotector homeobox; minus strand). Cytogenetic location: 20q13.13.
Variant type: single nucleotide variant.
Coding change: c.2322T>G on transcript NM_001282531.3 (MANE Select); coding-DNA position 2322, T replaced by G.
Protein change: p.Tyr774Ter; replaces tyrosine 774 with a stop codon.
Molecular consequence: nonsense.
Genome position (GRCh38, 1-based): chr20:50,892,392, A>C on the plus strand (T>G on the coding strand, the complement: ADNP is on the minus strand). VCF-style: chr20-50892392-A-C. GRCh37 (hg19) VCF-style: chr20-49508929-A-C.
Other names: c.2322T>G, p.Tyr774Ter (NM_001282532.2, NM_001347511.2, NM_015339.5 and 1 more transcripts); short protein forms Y774*.
Identifiers: ClinVar variation 3501449 (VCV003501449.1).
Genomic context (GRCh38, chr20:50,892,392, plus strand): 5'-CCATAAACTGGCTGCTAGCTTCTCAATTTCTCTCCTGGTGGGATAGGGCTGTTTGTTGAA[A>C]TACTTTGTTAGAAAGCTTTTCCTGGCTTCATAGGAATCATCTTCATGACCCTTGGGGTCT-3'

ClinVar aggregate classification (germline): Pathogenic (1 of 4 stars; one submission).

Conditions:
Inborn genetic diseases. Identifiers: MedGen C0950123, MeSH D030342.

Submission:

Ambry Genetics
Classification: Pathogenic for Inborn genetic diseases. Last evaluated: 2024-09-16. Review status: criteria provided, single submitter. Criteria: Ambry Variant Classification Scheme 2023. Collection method: clinical testing. Allele origin: germline.
Comment: The c.2322T>G (p.Y774*) alteration, located in exon 5 (coding exon 3) of the ADNP gene, consists of a T to G substitution at nucleotide position 2322. This changes the amino acid from a tyrosine (Y) to a stop codon at amino acid position 774. This alteration occurs at the 3' terminus of the ADNP gene, is not expected to trigger nonsense-mediated mRNA decay, and impacts the last 29% of the protein. However, premature stop codons are typically deleterious in nature, the impacted region is critical for protein function, and a significant portion of the protein is affected (Ambry internal data). This variant was not reported in population-based cohorts in the Genome Aggregation Database (gnomAD). Based on the available evidence, this alteration is classified as pathogenic.